The following is an entry in ClinVar:

ClinVar aggregate classification (germline): Uncertain significance (1 of 4 stars; one submission).

Submission:

Labcorp Genetics (formerly Invitae), Labcorp
Classification: Uncertain significance. Last evaluated: 2022-09-27. Review status: criteria provided, single submitter. Criteria: Invitae Variant Classification Sherloc (09022015). Collection method: clinical testing. Allele origin: germline.
Comment: In summary, the available evidence is currently insufficient to determine the role of this variant in disease. Therefore, it has been classified as a Variant of Uncertain Significance. Advanced modeling of protein sequence and biophysical properties (such as structural, functional, and spatial information, amino acid conservation, physicochemical variation, residue mobility, and thermodynamic stability) performed at Invitae indicates that this missense variant is not expected to disrupt EMC1 protein function. This variant has not been reported in the literature in individuals affected with EMC1-related conditions. This variant is not present in population databases (gnomAD no frequency). This sequence change replaces methionine, which is neutral and non-polar, with valine, which is neutral and non-polar, at codon 598 of the EMC1 protein (p.Met598Val).

NM_015047.3(EMC1):c.1792A>G (p.Met598Val)

Genes: EMC1 (ER membrane protein complex subunit 1; minus strand), EMC1-AS1 (EMC1 antisense RNA 1; plus strand). Cytogenetic location: 1p36.13.
Variant type: single nucleotide variant.
Coding change: c.1792A>G on transcript NM_015047.3 (MANE Select); coding-DNA position 1792, A replaced by G.
Protein change: p.Met598Val; replaces methionine 598 with valine.
Molecular consequence: missense variant.
Genome position (GRCh38, 1-based): chr1:19,231,413, T>C on the plus strand (A>G on the coding strand, the complement: EMC1 is on the minus strand). VCF-style: chr1-19231413-T-C. GRCh37 (hg19) VCF-style: chr1-19557907-T-C.
Other names: c.1789A>G, p.Met597Val (NM_001271428.2, NM_001271427.2); c.1726A>G, p.Met576Val (NM_001271429.2); c.1801A>G, p.Met601Val (NM_001375820.1); c.1798A>G, p.Met600Val (NM_001375821.1); short protein forms M576V, M597V, M598V, M600V, M601V.
Identifiers: ClinVar variation 1944325 (VCV001944325.5), dbSNP rs2536722747, ClinGen allele CA338760044.